The following is an entry in ClinVar:

NM_000142.5(FGFR3):c.1024G>A (p.Gly342Ser)

Gene: FGFR3 (fibroblast growth factor receptor 3; plus strand). Cytogenetic location: 4p16.3.
Variant type: single nucleotide variant.
Coding change: c.1024G>A on transcript NM_000142.5 (MANE Select); coding-DNA position 1024, G replaced by A.
Protein change: p.Gly342Ser; replaces glycine 342 with serine.
Molecular consequence: missense variant. On other transcripts: non-coding transcript variant (1), intron variant (2).
Genome position (GRCh38, 1-based): chr4:1,803,785, G>A. VCF-style: chr4-1803785-G-A. GRCh37 (hg19) VCF-style: chr4-1805512-G-A.
Other names: c.1024G>A, p.Gly342Ser (NM_001354809.2, NM_001354810.2); c.1082-545G>A (NM_001163213.2); c.931-1039G>A (NM_022965.4); short protein forms G342S.
Identifiers: ClinVar variation 2829645 (VCV002829645.3), dbSNP rs587778775, ClinGen allele CA355978395.

ClinVar aggregate classification (germline): Uncertain significance (1 of 4 stars; one submission).

Allele frequency attached by ClinVar (database versions not stated): gnomAD exomes below 0.00001; TOPMed below 0.00001; gnomAD 0.00001.
gnomAD v4.1: 4 of 1,613,970 alleles (0.00025%); highest among the groups gnomAD compares: Non-Finnish European, 0.00034%; no homozygotes.

Submission:

Labcorp Genetics (formerly Invitae), Labcorp
Classification: Uncertain significance. Last evaluated: 2023-12-15. Review status: criteria provided, single submitter. Criteria: Invitae Variant Classification Sherloc (09022015). Collection method: clinical testing. Allele origin: germline.
Comment: This sequence change replaces glycine, which is neutral and non-polar, with serine, which is neutral and polar, at codon 342 of the FGFR3 protein (p.Gly342Ser). This variant is present in population databases (no rsID available, gnomAD 0.007%). This variant has not been reported in the literature in individuals affected with FGFR3-related conditions. Advanced modeling of protein sequence and biophysical properties (such as structural, functional, and spatial information, amino acid conservation, physicochemical variation, residue mobility, and thermodynamic stability) performed at Invitae indicates that this missense variant is not expected to disrupt FGFR3 protein function with a negative predictive value of 80%. In summary, the available evidence is currently insufficient to determine the role of this variant in disease. Therefore, it has been classified as a Variant of Uncertain Significance.